The following is an entry in ClinVar:

ClinVar aggregate classification (germline): Likely benign. Review status: reviewed by expert panel (3 of 4 stars). 8 submissions from 8 submitters: Likely benign (1). 7 of the submissions do not count toward it. Last evaluated 2017-06-29.

Conditions:
BRCA2-related disorder. Also called: BRCA2-related condition; BRCA2-related disorders. Identifiers: MedGen CN239275.
Hereditary cancer-predisposing syndrome. Also called: Neoplastic Syndromes, Hereditary; Tumor predisposition; Hereditary neoplastic syndrome; Hereditary Cancer Syndrome. Identifiers: Orphanet 140162, MedGen C0027672, MeSH D009386, MONDO:0015356.
Hereditary breast ovarian cancer syndrome. Also called: Hereditary breast and/or ovarian cancer syndrome; Hereditary breast and ovarian cancer syndrome; Hereditary breast and ovarian cancer; Hereditary breast and ovarian cancer syndrome (HBOC); Breast and ovarian cancer; BRCA1- and BRCA2-Associated Hereditary Breast and Ovarian Cancer. Identifiers: Orphanet 145, MedGen C0677776, MeSH D061325, MONDO:0003582. Disease mechanism: loss of function.
Breast-ovarian cancer, familial, susceptibility to, 2 (BROVCA2). Also called: BRCA2 Hereditary Breast and Ovarian Cancer. Identifiers: Orphanet 145, MedGen C2675520, MONDO:0012933, OMIM 612555. Disease mechanism: loss of function.

Submissions (8):

Evidence-based Network for the Interpretation of Germline Mutant Alleles (ENIGMA)
Classification: Likely benign for Breast-ovarian cancer, familial, susceptibility to, 2. Last evaluated: 2017-06-29. Review status: reviewed by expert panel. Criteria: ENIGMA BRCA1/2 Classification Criteria (2017-06-29). Collection method: curation. Allele origin: germline.
Comment: Synonymous substitution variant, with low bioinformatic likelihood to result in a splicing aberration (Splicing prior probability 0.02).

PreventionGenetics, part of Exact Sciences
Classification: Likely benign for BRCA2-related condition. Last evaluated: 2026-08-14. Review status: criteria provided, single submitter. Criteria: ACMG Guidelines, 2015. Collection method: clinical testing. Allele origin: germline. Not counted in ClinVar's aggregate classification.
Comment: This variant is classified as likely benign based on ACMG/AMP sequence variant interpretation guidelines (Richards et al. 2015 PMID: 25741868, with internal and published modifications).

Center for Genomic Medicine, Rigshospitalet, Copenhagen University Hospital
Classification: Likely benign. Last evaluated: 2025-12-29. Review status: criteria provided, single submitter. Criteria: ACMG Guidelines, 2015. Collection method: clinical testing. Allele origin: germline. Not counted in ClinVar's aggregate classification.

Labcorp Genetics (formerly Invitae), Labcorp
Classification: Likely benign for Hereditary breast ovarian cancer syndrome. Last evaluated: 2025-09-04. Review status: criteria provided, single submitter. Criteria: Invitae Variant Classification Sherloc (09022015). Collection method: clinical testing. Allele origin: germline. Not counted in ClinVar's aggregate classification.

ARUP Laboratories, Molecular Genetics and Genomics, ARUP Laboratories
Classification: Likely benign. Last evaluated: 2025-04-01. Review status: criteria provided, single submitter. Criteria: ARUP Molecular Germline Variant Investigation Process 2024. Collection method: clinical testing. Allele origin: germline. Not counted in ClinVar's aggregate classification.

Color Diagnostics, LLC DBA Color Health
Classification: Likely benign for Hereditary cancer-predisposing syndrome. Last evaluated: 2023-03-06. Review status: criteria provided, single submitter. Criteria: ACMG Guidelines, 2015. Collection method: clinical testing. Allele origin: germline. Not counted in ClinVar's aggregate classification.

Ambry Genetics
Classification: Likely benign for Hereditary cancer-predisposing syndrome. Last evaluated: 2022-08-08. Review status: criteria provided, single submitter. Criteria: Ambry Variant Classification Scheme 2023. Collection method: clinical testing. Allele origin: germline. Not counted in ClinVar's aggregate classification.

Cancer Genetics and Genomics Laboratory, British Columbia Cancer Agency
Classification: Uncertain significance for Hereditary breast ovarian cancer syndrome. Last evaluated: 2017-04-18. Review status: no assertion criteria provided. Collection method: clinical testing. Allele origin: germline. Study: The Canadian Open Genetics Repository (COGR). Not counted in ClinVar's aggregate classification.

NM_000059.4(BRCA2):c.1056C>T (p.Tyr352=)

Gene: BRCA2 (BRCA2 DNA repair associated; plus strand). Cytogenetic location: 13q13.1.
Variant type: single nucleotide variant.
Coding change: c.1056C>T on transcript NM_000059.4 (MANE Select); coding-DNA position 1056, C replaced by T.
Protein change: p.Tyr352=; no amino-acid change (tyrosine 352 retained).
Molecular consequence: synonymous variant.
Genome position (GRCh38, 1-based): chr13:32,332,534, C>T. VCF-style: chr13-32332534-C-T. GRCh37 (hg19) VCF-style: chr13-32906671-C-T.
Identifiers: ClinVar variation 185001 (VCV000185001.20), dbSNP rs786201858, ClinGen allele CA010690.